The following is an entry in ClinVar:

ClinVar aggregate classification (germline): Uncertain significance (1 of 4 stars; one submission).

Submission:

Labcorp Genetics (formerly Invitae), Labcorp
Classification: Uncertain significance. Last evaluated: 2025-05-05. Review status: criteria provided, single submitter. Criteria: Invitae Variant Classification Sherloc (09022015). Collection method: clinical testing. Allele origin: germline.
Comment: This sequence change replaces phenylalanine, which is neutral and non-polar, with tyrosine, which is neutral and polar, at codon 494 of the SLC25A12 protein (p.Phe494Tyr). This variant is not present in population databases (gnomAD no frequency). This variant has not been reported in the literature in individuals affected with SLC25A12-related conditions. ClinVar contains an entry for this variant (Variation ID: 2096783). Invitae Evidence Modeling of protein sequence and biophysical properties (such as structural, functional, and spatial information, amino acid conservation, physicochemical variation, residue mobility, and thermodynamic stability) indicates that this missense variant is expected to disrupt SLC25A12 protein function with a positive predictive value of 80%. In summary, the available evidence is currently insufficient to determine the role of this variant in disease. Therefore, it has been classified as a Variant of Uncertain Significance.

NM_003705.5(SLC25A12):c.1481T>A (p.Phe494Tyr)

Gene: SLC25A12 (solute carrier family 25 member 12; minus strand). Cytogenetic location: 2q31.1.
Variant type: single nucleotide variant.
Coding change: c.1481T>A on transcript NM_003705.5 (MANE Select); coding-DNA position 1481, T replaced by A.
Protein change: p.Phe494Tyr; replaces phenylalanine 494 with tyrosine.
Molecular consequence: missense variant. On other transcripts: non-coding transcript variant (1).
Genome position (GRCh38, 1-based): chr2:171,791,555, A>T on the plus strand (T>A on the coding strand, the complement: SLC25A12 is on the minus strand). VCF-style: chr2-171791555-A-T. GRCh37 (hg19) VCF-style: chr2-172648065-A-T.
Other names: short protein forms F494Y.
Identifiers: ClinVar variation 2096783 (VCV002096783.2), dbSNP rs2545156789, ClinGen allele CA349288872.
Genomic context (GRCh38, chr2:171,791,555, plus strand): 5'-CCATTTTCATCAGCCAGAAGTAGTTTGCAATGAGCATAAACAGGAAAATAGATTGCAGAG[A>T]AGGGAATGTCTCGGAGGAAACACGCTTTGGCACCCTGTCACACAGTGAGGAAATAGTGCA-3'
Protein context (NP_003696.2, residues 484-504): AKACFLRDIP[Phe494Tyr]SAIYFPVYAH